The following is an entry in ClinVar:

NM_199191.3(BABAM2):c.626A>G (p.Asp209Gly)

Gene: BABAM2 (BRISC and BRCA1 A complex member 2; plus strand). Cytogenetic location: 2p23.2.
Variant type: single nucleotide variant.
Coding change: c.626A>G on transcript NM_199191.3 (MANE Select); coding-DNA position 626, A replaced by G.
Protein change: p.Asp209Gly; replaces aspartic acid 209 with glycine.
Molecular consequence: missense variant. On other transcripts: non-coding transcript variant (4).
Genome position (GRCh38, 1-based): chr2:28,129,326, A>G. VCF-style: chr2-28129326-A-G. GRCh37 (hg19) VCF-style: chr2-28352193-A-G.
Other names: c.626A>G, p.Asp209Gly (NM_001261840.2, NM_001329112.1, NM_001329113.2 and 6 more transcripts); short protein forms D209G.
Identifiers: ClinVar variation 161855 (VCV000161855.2), dbSNP rs193920803, ClinGen allele CA174915.

ClinVar aggregate classification (germline): Uncertain significance (0 of 4 stars; one submission).

Conditions:
Prostate cancer. Also called: Malignant tumor of prostate. Identifiers: Orphanet 1331, MedGen C0376358, MONDO:0008315, HP:0012125.

Submission:

Science for Life laboratory,  Karolinska Institutet
Classification: Uncertain significance for Malignant tumor of prostate. Review status: no assertion criteria provided. Collection method: not provided. Allele origin: somatic.
Comment: TumorID:SWE-12A
ClinVar note: Converted during submission from Unknown to Uncertain significance.